The following is an entry in ClinVar:

NM_004977.3(KCNC3):c.1115A>G (p.Asp372Gly)

Gene: KCNC3 (potassium voltage-gated channel subfamily C member 3; minus strand). Cytogenetic location: 19q13.33.
Variant type: single nucleotide variant.
Coding change: c.1115A>G on transcript NM_004977.3 (MANE Select); coding-DNA position 1115, A replaced by G.
Protein change: p.Asp372Gly; replaces aspartic acid 372 with glycine.
Molecular consequence: missense variant.
Genome position (GRCh38, 1-based): chr19:50,323,838, T>C on the plus strand (A>G on the coding strand, the complement: KCNC3 is on the minus strand). VCF-style: chr19-50323838-T-C. GRCh37 (hg19) VCF-style: chr19-50827095-T-C.
Other names: c.887A>G, p.Asp296Gly (NM_001372305.1); short protein forms D296G, D372G.
Identifiers: ClinVar variation 1364533 (VCV001364533.8), dbSNP rs2037068276, ClinGen allele CA406952551.
Genomic context (GRCh38, chr19:50,323,838, plus strand): 5'-AAGGGCAGGATGGCCACACAGTCGATGATGTTGAGGCTGCTTTTAAGAAACTCCACCTTG[T>C]CTGGGCAGAAGGTGATGCGCATGAGGAACTCGAAGGTGAACCAGACCACGCACACCCCCT-3'
Protein context (NP_004968.2, residues 362-382): EFLMRITFCP[Asp372Gly]KVEFLKSSLN

ClinVar aggregate classification (germline): Uncertain significance (1 of 4 stars; one submission).

gnomAD v4.1: 2 of 1,614,152 alleles (0.00012%); highest among the groups gnomAD compares: Non-Finnish European, 0.00017%; no homozygotes.

Submission:

Labcorp Genetics (formerly Invitae), Labcorp
Classification: Uncertain significance. Last evaluated: 2022-01-06. Review status: criteria provided, single submitter. Criteria: Invitae Variant Classification Sherloc (09022015). Collection method: clinical testing. Allele origin: germline.
Comment: This variant is not present in population databases (gnomAD no frequency). In summary, the available evidence is currently insufficient to determine the role of this variant in disease. Therefore, it has been classified as a Variant of Uncertain Significance. Advanced modeling of protein sequence and biophysical properties (such as structural, functional, and spatial information, amino acid conservation, physicochemical variation, residue mobility, and thermodynamic stability) performed at Invitae indicates that this missense variant is expected to disrupt KCNC3 protein function. This missense change has been observed in individual(s) with clinical features of spinocerebellar ataxia (Invitae). This sequence change replaces aspartic acid, which is acidic and polar, with glycine, which is neutral and non-polar, at codon 372 of the KCNC3 protein (p.Asp372Gly).